The following is an entry in ClinVar:

NM_001009944.3(PKD1):c.6677G>A (p.Gly2226Glu)

Gene: PKD1 (polycystin 1, transient receptor potential channel interacting; minus strand). Cytogenetic location: 16p13.3.
Variant type: single nucleotide variant.
Coding change: c.6677G>A on transcript NM_001009944.3 (MANE Select); coding-DNA position 6677, G replaced by A.
Protein change: p.Gly2226Glu; replaces glycine 2226 with glutamic acid.
Molecular consequence: missense variant.
Genome position (GRCh38, 1-based): chr16:2,108,490, C>T on the plus strand (G>A on the coding strand, the complement: PKD1 is on the minus strand). VCF-style: chr16-2108490-C-T. GRCh37 (hg19) VCF-style: chr16-2158491-C-T.
Other names: c.6677G>A, p.Gly2226Glu (NM_000296.4); short protein forms G2226E.
Identifiers: ClinVar variation 3579344 (VCV003579344.2).
Genomic context (GRCh38, chr16:2,108,490, plus strand): 5'-TGGATGCTCTGTGTCAGTGGCGTGTCCCCAAATGACACGACAAACACAAAGCAGTAGTGC[C>T]CCACAGGCAGCGCCAGCCGCGGCAGCACCAGCCGAGGCCGGCTCACGTCCACGCCGGGCA-3'
Protein context (NP_001009944.3, residues 2216-2236): LVLPRLALPV[Gly2226Glu]HYCFVFVVSF

ClinVar aggregate classification (germline): Uncertain significance. Review status: criteria provided, multiple submitters, no conflicts (2 of 4 stars). 2 submissions from 2 submitters: Uncertain significance (2). Last evaluated 2024-06-05.

Conditions:
Polycystic kidney disease, adult type (PKD1). Also called: Polycystic Kidney Disease 1, Autosomal Dominant; Polycystic kidney disease 1; Polycystic kidney disease 1, severe; POLYCYSTIC KIDNEY DISEASE 1 WITH OR WITHOUT POLYCYSTIC LIVER DISEASE; POLYCYSTIC KIDNEY DISEASE, ADULT, TYPE I; Polycystic Kidney, Autosomal Dominant. Identifiers: MedGen C3149841, MONDO:0008263, OMIM 173900.

Submissions (2):

Fulgent Genetics
Classification: Uncertain significance for Polycystic kidney disease, adult type. Last evaluated: 2024-06-05. Review status: criteria provided, single submitter. Criteria: ACMG Guidelines, 2015. Collection method: clinical testing. Allele origin: germline.

Laboratorio de Genetica e Diagnostico Molecular, Hospital Israelita Albert Einstein
Classification: Uncertain significance for Polycystic kidney disease, adult type. Last evaluated: 2023-09-13. Review status: criteria provided, single submitter. Criteria: ACMG Guidelines, 2015. Collection method: clinical testing. Allele origin: germline. Affected: yes.
Comment: ACMG classification criteria: PM2 supporting, PP3 supporting